The following is an entry in ClinVar:

NM_004415.4(DSP):c.6137T>G (p.Val2046Gly)

Gene: DSP (desmoplakin; plus strand). Cytogenetic location: 6p24.3.
Variant type: single nucleotide variant.
Coding change: c.6137T>G on transcript NM_004415.4 (MANE Select); coding-DNA position 6137, T replaced by G.
Protein change: p.Val2046Gly; replaces valine 2046 with glycine.
Molecular consequence: missense variant.
Genome position (GRCh38, 1-based): chr6:7,583,399, T>G. VCF-style: chr6-7583399-T-G. GRCh37 (hg19) VCF-style: chr6-7583632-T-G.
Other names: c.4340T>G, p.Val1447Gly (NM_001008844.3); c.4808T>G, p.Val1603Gly (NM_001319034.2); short protein forms V1603G, V2046G, V1447G.
Identifiers: ClinVar variation 864390 (VCV000864390.11), dbSNP rs746016404, ClinGen allele CA046938.

ClinVar aggregate classification (germline): Uncertain significance. Review status: criteria provided, multiple submitters, no conflicts (2 of 4 stars). 3 submissions from 3 submitters: Uncertain significance (3). Last evaluated 2025-11-09.

Conditions:
Cardiomyopathy (CMYO). Also called: Cardiomyopathies. Identifiers: Orphanet 167848, MedGen C0878544, MONDO:0004994, HP:0001638. Inheritance: Various modes of inheritance.
Arrhythmogenic right ventricular dysplasia 8 (ARVD8). Also called: Arrhythmogenic Right Ventricular Dysplasia/Cardiomyopathy 8; ARRHYTHMOGENIC RIGHT VENTRICULAR CARDIOMYOPATHY 8; ARRHYTHMOGENIC RIGHT VENTRICULAR DYSPLASIA, FAMILIAL, 8. Identifiers: MedGen C1843896, MONDO:0011831, OMIM 607450.
Arrhythmogenic cardiomyopathy with wooly hair and keratoderma. Also called: Dilated cardiomyopathy with woolly hair and keratoderma; Arrhythmogenic cardiomyopathy with woolly hair and keratoderma; PALMOPLANTAR KERATODERMA WITH LEFT VENTRICULAR CARDIOMYOPATHY AND WOOLLY HAIR; Carvajal syndrome. Identifiers: Orphanet 65282, MedGen C1854063, MONDO:0011581, OMIM 605676.

Allele frequency attached by ClinVar (database versions not stated): gnomAD exomes below 0.00001 and 0.00001; ExAC 0.00001; gnomAD 0.00001; TOPMed 0.00001.
gnomAD v4.1: 5 of 1,614,010 alleles (0.00031%); highest among the groups gnomAD compares: African/African-American, 0.0013%; no homozygotes.

Submissions (3):

Labcorp Genetics (formerly Invitae), Labcorp
Classification: Uncertain significance for Arrhythmogenic cardiomyopathy with wooly hair and keratoderma; Arrhythmogenic right ventricular dysplasia 8. Last evaluated: 2025-11-09. Review status: criteria provided, single submitter. Criteria: Invitae Variant Classification Sherloc (09022015). Collection method: clinical testing. Allele origin: germline.
Comment: This sequence change replaces valine, which is neutral and non-polar, with glycine, which is neutral and non-polar, at codon 2046 of the DSP protein (p.Val2046Gly). This variant is present in population databases (rs746016404, gnomAD 0.0009%). This missense change has been observed in individual(s) with clinical features of dilated cardiomyopathy (PMID: 32880476, 36788754). ClinVar contains an entry for this variant (Variation ID: 864390). An algorithm developed to predict the effect of missense changes on protein structure and function (PolyPhen-2) suggests that this variant is likely to be disruptive. In summary, the available evidence is currently insufficient to determine the role of this variant in disease. Therefore, it has been classified as a Variant of Uncertain Significance.

All of Us Research Program, National Institutes of Health
Classification: Uncertain significance for Arrhythmogenic cardiomyopathy with wooly hair and keratoderma. Last evaluated: 2023-11-30. Review status: criteria provided, single submitter. Criteria: ACMG Guidelines, 2015. Collection method: clinical testing. Allele origin: germline. Inheritance: Autosomal dominant inheritance. Observed: 4 variant alleles, 4 heterozygotes.
Comment: This missense variant replaces valine with glycine at codon 2046 of the DSP protein. Computational prediction suggests that this variant may not impact protein structure and function (internally defined REVEL score threshold <= 0.5, PMID: 27666373). To our knowledge, functional studies have not been reported for this variant. This variant has been reported in an individual affected with dilated cardiomyopathy (PMID: 32880476). This variant has been identified in 1/250926 chromosomes in the general population by the Genome Aggregation Database (gnomAD). The available evidence is insufficient to determine the role of this variant in disease conclusively. Therefore, this variant is classified as a Variant of Uncertain Significance.

This study involves interpretation of variants in research participants for the purpose of population health screening. Participant phenotype was not available at the time of variant classification. Additional details can be found in publication PMID: 35346344, PMCID: PMC8962531

Color Diagnostics, LLC DBA Color Health
Classification: Uncertain significance for Cardiomyopathy. Last evaluated: 2023-09-05. Review status: criteria provided, single submitter. Criteria: ACMG Guidelines, 2015. Collection method: clinical testing. Allele origin: germline.
Comment: This missense variant replaces valine with glycine at codon 2046 of the DSP protein. Computational prediction suggests that this variant may not impact protein structure and function (internally defined REVEL score threshold <= 0.5, PMID: 27666373). To our knowledge, functional studies have not been reported for this variant. This variant has been reported in an individual affected with dilated cardiomyopathy (PMID: 32880476). This variant has been identified in 1/250926 chromosomes in the general population by the Genome Aggregation Database (gnomAD). The available evidence is insufficient to determine the role of this variant in disease conclusively. Therefore, this variant is classified as a Variant of Uncertain Significance.

Literature cited by the submitters: PubMed 32880476 (cited by 3 submitters); PubMed 36788754 (cited by Labcorp Genetics (formerly Invitae), Labcorp).